The following is an entry in ClinVar:

ClinVar aggregate classification (germline): Benign/Likely benign. Review status: criteria provided, multiple submitters, no conflicts (2 of 4 stars). 12 submissions from 12 submitters: Benign (6); Likely benign (3). 3 of the submissions do not count toward it. Last evaluated 2026-01-28.

Conditions:
Usher syndrome type 2C. Also called: Usher syndrome, type 2B; USHER SYNDROME, TYPE IIC. Identifiers: Orphanet 231178, Orphanet 886, MedGen C2931213, MONDO:0011558, OMIM 605472.

Allele frequency attached by ClinVar (database versions not stated): ExAC 0.00301; ESP Exome Variant Server 0.00914; 1000 Genomes Project 0.00919; gnomAD 0.00923 and 0.01001; 1000 Genomes Project 30x 0.01062; TOPMed 0.01078.
gnomAD v4.1: 3,034 of 1,613,458 alleles (0.19%); highest among the groups gnomAD compares: African/African-American, 3.2%; 52 homozygotes.

Submissions (12):

Labcorp Genetics (formerly Invitae), Labcorp
Classification: Benign. Last evaluated: 2026-01-28. Review status: criteria provided, single submitter. Criteria: Invitae Variant Classification Sherloc (09022015). Collection method: clinical testing. Allele origin: germline.

Athena Diagnostics
Classification: Benign. Last evaluated: 2025-07-09. Review status: criteria provided, single submitter. Criteria: Athena Diagnostics Criteria. Collection method: clinical testing. Allele origin: unknown.
Comment: The frequency of this variant in the general population is higher than would generally be expected for pathogenic variants in this gene.

ARUP Laboratories, Molecular Genetics and Genomics, ARUP Laboratories
Classification: Benign. Last evaluated: 2023-09-21. Review status: criteria provided, single submitter. Criteria: ARUP Molecular Germline Variant Investigation Process 2024. Collection method: clinical testing. Allele origin: germline.

Illumina Laboratory Services, Illumina
Classification: Likely benign for Usher syndrome type 2C. Last evaluated: 2018-01-13. Review status: criteria provided, single submitter. Criteria: ICSL Variant Classification Criteria 13 December 2019. Collection method: clinical testing. Allele origin: germline.
Comment: This variant was observed in the ICSL laboratory as part of a predisposition screen in an ostensibly healthy population. It had not been previously curated by ICSL or reported in the Human Gene Mutation Database (HGMD: prior to June 1st, 2018), and was therefore a candidate for classification through an automated scoring system. Utilizing variant allele frequency, disease prevalence and penetrance estimates, and inheritance mode, an automated score was calculated to assess if this variant is too frequent to cause the disease. Based on the score and internal cut-off values, a variant classified as likely benign is not then subjected to further curation. The score for this variant resulted in a classification of likely benign for this disease.

GeneDx
Classification: Benign. Last evaluated: 2017-11-06. Review status: criteria provided, single submitter. Criteria: GeneDx Variant Classification (06012015). Collection method: clinical testing. Allele origin: germline. Affected: yes.
Comment: This variant is considered likely benign or benign based on one or more of the following criteria: it is a conservative change, it occurs at a poorly conserved position in the protein, it is predicted to be benign by multiple in silico algorithms, and/or has population frequency not consistent with disease.

Center for Pediatric Genomic Medicine, Children's Mercy Hospital and Clinics
Classification: Likely benign. Last evaluated: 2017-02-22. Review status: criteria provided, single submitter. Criteria: ACMG Guidelines, 2015. Collection method: clinical testing. Allele origin: germline.

Genetic Services Laboratory, University of Chicago
Classification: Benign. Last evaluated: 2015-05-14. Review status: criteria provided, single submitter. Criteria: ACMG Guidelines, 2015. Collection method: clinical testing. Allele origin: germline.

Laboratory for Molecular Medicine, Mass General Brigham Personalized Medicine
Classification: Benign. Last evaluated: 2012-03-26. Review status: criteria provided, single submitter. Criteria: LMM Criteria. Collection method: clinical testing. Allele origin: germline. Observed: 16 variant alleles.
Comment: p.Ile1187Val in exon 19 of GPR98: This variant is not expected to have clinical significance because it has been identified in 3% (93/3088) of African American chromosomes in a broad population by the NHLBI Exome sequencing project (dbSNP rs16868935).

Breakthrough Genomics
Classification: Likely benign. Review status: criteria provided, single submitter. Criteria: ACMG Guidelines, 2015. Collection method: not provided. Allele origin: germline. Inheritance: Autosomal recessive inheritance. Affected: yes.

Clinical Genetics DNA and cytogenetics Diagnostics Lab, Erasmus MC, Erasmus Medical Center
Classification: Likely benign. Review status: no assertion criteria provided. Collection method: clinical testing. Allele origin: germline. Affected: yes. Study: VKGL Data-share Consensus. Not counted in ClinVar's aggregate classification.

Clinical Genetics, Academic Medical Center
Classification: Benign. Review status: no assertion criteria provided. Collection method: clinical testing. Allele origin: germline. Affected: yes. Study: VKGL Data-share Consensus. Not counted in ClinVar's aggregate classification.

Genome Diagnostics Laboratory, University Medical Center Utrecht
Classification: Benign. Review status: no assertion criteria provided. Collection method: clinical testing. Allele origin: germline. Affected: yes. Study: VKGL Data-share Consensus. Not counted in ClinVar's aggregate classification.

NM_032119.4(ADGRV1):c.3559A>G (p.Ile1187Val)

Gene: ADGRV1 (adhesion G protein-coupled receptor V1; plus strand). Cytogenetic location: 5q14.3.
Variant type: single nucleotide variant.
Coding change: c.3559A>G on transcript NM_032119.4 (MANE Select); coding-DNA position 3559, A replaced by G.
Protein change: p.Ile1187Val; replaces isoleucine 1187 with valine.
Molecular consequence: missense variant. On other transcripts: non-coding transcript variant (1).
Genome position (GRCh38, 1-based): chr5:90,652,488, A>G. VCF-style: chr5-90652488-A-G. GRCh37 (hg19) VCF-style: chr5-89948305-A-G.
Other names: short protein forms I1187V.
Identifiers: ClinVar variation 46319 (VCV000046319.28), dbSNP rs16868935, ClinGen allele CA138112.